The following is an entry in ClinVar:

ClinVar aggregate classification (germline): Uncertain significance. Review status: criteria provided, multiple submitters, no conflicts (2 of 4 stars). 6 submissions from 6 submitters: Uncertain significance (6). Last evaluated 2025-04-21.

Conditions:
Joubert syndrome 16 (JBTS16). Identifiers: Orphanet 2318, MedGen C3280906, MONDO:0013764, OMIM 614465.

Allele frequency attached by ClinVar (database versions not stated): gnomAD 0.00003; ExAC 0.00004; gnomAD exomes 0.00005 and 0.00006; TOPMed 0.00005.

Submissions (6):

GeneDx
Classification: Uncertain significance. Last evaluated: 2025-04-21. Review status: criteria provided, single submitter. Criteria: GeneDx Variant Classification Process June 2021. Collection method: clinical testing. Allele origin: germline. Affected: yes.
Comment: Not observed at a significant frequency in large population cohorts (gnomAD); In silico analysis indicates that this missense variant does not alter protein structure/function; This variant is associated with the following publications: (PMID: 34426522, 22282472, 28289185)

Fulgent Genetics
Classification: Uncertain significance for Joubert syndrome 16. Last evaluated: 2024-04-20. Review status: criteria provided, single submitter. Criteria: ACMG Guidelines, 2015. Collection method: clinical testing. Allele origin: germline.

Labcorp Genetics (formerly Invitae), Labcorp
Classification: Uncertain significance for Joubert syndrome 16. Last evaluated: 2023-04-05. Review status: criteria provided, single submitter. Criteria: Invitae Variant Classification Sherloc (09022015). Collection method: clinical testing. Allele origin: germline.
Comment: This missense change has been observed in individual(s) with Joubert syndrome (PMID: 28289185). In summary, the available evidence is currently insufficient to determine the role of this variant in disease. Therefore, it has been classified as a Variant of Uncertain Significance. An algorithm developed to predict the effect of missense changes on protein structure and function (PolyPhen-2) suggests that this variant¬† is likely to be tolerated. ClinVar contains an entry for this variant (Variation ID: 305064). This variant is present in population databases (rs774141923, gnomAD 0.007%). This sequence change replaces methionine, which is neutral and non-polar, with leucine, which is neutral and non-polar, at codon 118 of the TMEM138 protein (p.Met118Leu).

Blueprint Genetics
Classification: Uncertain significance. Last evaluated: 2022-02-23. Review status: criteria provided, single submitter. Criteria: ACMG Guidelines, 2015. Collection method: clinical testing. Allele origin: germline.

Illumina Laboratory Services, Illumina
Classification: Uncertain significance for Joubert syndrome 16. Last evaluated: 2018-01-12. Review status: criteria provided, single submitter. Criteria: ICSL Variant Classification Criteria 13 December 2019. Collection method: clinical testing. Allele origin: germline.

Breakthrough Genomics
Classification: Uncertain significance. Review status: criteria provided, single submitter. Criteria: ACMG Guidelines, 2015. Collection method: not provided. Allele origin: germline. Inheritance: Autosomal recessive inheritance. Affected: yes.

Literature cited by the submitters: PubMed 28289185 (cited by Labcorp Genetics (formerly Invitae), Labcorp).

NM_016464.5(TMEM138):c.352A>T (p.Met118Leu)

Gene: TMEM138 (transmembrane protein 138; plus strand). Cytogenetic location: 11q12.2.
Variant type: single nucleotide variant.
Coding change: c.352A>T on transcript NM_016464.5 (MANE Select); coding-DNA position 352, A replaced by T.
Protein change: p.Met118Leu; replaces methionine 118 with leucine.
Molecular consequence: missense variant. On other transcripts: non-coding transcript variant (1).
Genome position (GRCh38, 1-based): chr11:61,367,974, A>T. VCF-style: chr11-61367974-A-T. GRCh37 (hg19) VCF-style: chr11-61135446-A-T.
Other names: c.178A>T, p.Met60Leu (NM_001330281.2); short protein forms M118L, M60L.
Identifiers: ClinVar variation 305064 (VCV000305064.15), dbSNP rs774141923, ClinGen allele CA6034594.